The following is an entry in ClinVar:

ClinVar aggregate classification (germline): Pathogenic. Review status: criteria provided, multiple submitters, no conflicts (2 of 4 stars). 3 submissions from 3 submitters: Pathogenic (3). Last evaluated 2025-06-01.

Submissions (3):

CeGaT Center for Human Genetics Tuebingen
Classification: Pathogenic. Last evaluated: 2025-06-01. Review status: criteria provided, single submitter. Criteria: CeGaT Center For Human Genetics Tuebingen Variant Classification Criteria Version 2. Collection method: clinical testing. Allele origin: germline. Affected: yes. Observed: 1 variant allele.
Comment: NOTCH3: PM1:Strong, PM2, PM5, PP3, PS4:Supporting

Labcorp Genetics (formerly Invitae), Labcorp
Classification: Pathogenic. Last evaluated: 2024-11-11. Review status: criteria provided, single submitter. Criteria: Invitae Variant Classification Sherloc (09022015). Collection method: clinical testing. Allele origin: germline.
Comment: This sequence change replaces cysteine, which is neutral and slightly polar, with arginine, which is basic and polar, at codon 428 of the NOTCH3 protein (p.Cys428Arg). This variant is not present in population databases (gnomAD no frequency). This missense change has been observed in individuals with cerebral arteriopathy with subcortical infarcts and leukoencephalopathy (PMID: 15834039). ClinVar contains an entry for this variant (Variation ID: 1807351). Invitae Evidence Modeling of protein sequence and biophysical properties (such as structural, functional, and spatial information, amino acid conservation, physicochemical variation, residue mobility, and thermodynamic stability) indicates that this missense variant is expected to disrupt NOTCH3 protein function with a positive predictive value of 95%. This variant disrupts the p.Cys428 amino acid residue in NOTCH3. Other variant(s) that disrupt this residue have been determined to be pathogenic (PMID: 15834039, 16009764). This suggests that this residue is clinically significant, and that variants that disrupt this residue are likely to be disease-causing. For these reasons, this variant has been classified as Pathogenic.

Athena Diagnostics
Classification: Pathogenic. Last evaluated: 2022-01-06. Review status: criteria provided, single submitter. Criteria: Athena Diagnostics Criteria. Collection method: clinical testing. Allele origin: unknown.
Comment: This variant has not been reported in large, multi-ethnic general populations. This variant has been identified in at least one individual with clinical features associated with this gene. In some published literature, this variant is referred to as c.1360T>C. This variant alters a critical location within the protein, and is expected to severely affect function and cause disease. Greater than 90% of pathogenic variants identified in NOTCH3 involve the gain or loss of a cysteine residue within the epidermal growth factor (EGF)-like repeat domain.

Literature cited by the submitters: PubMed 15834039 (cited by Labcorp Genetics (formerly Invitae), Labcorp and Athena Diagnostics); PubMed 16009764 (cited by Labcorp Genetics (formerly Invitae), Labcorp); PubMed 19006080 (cited by Athena Diagnostics).

NM_000435.3(NOTCH3):c.1282T>C (p.Cys428Arg)

Gene: NOTCH3 (notch receptor 3; minus strand). Cytogenetic location: 19p13.12.
Variant type: single nucleotide variant.
Coding change: c.1282T>C on transcript NM_000435.3 (MANE Select); coding-DNA position 1282, T replaced by C.
Protein change: p.Cys428Arg; replaces cysteine 428 with arginine.
Molecular consequence: missense variant.
Genome position (GRCh38, 1-based): chr19:15,189,085, A>G on the plus strand (T>C on the coding strand, the complement: NOTCH3 is on the minus strand). VCF-style: chr19-15189085-A-G. GRCh37 (hg19) VCF-style: chr19-15299896-A-G.
Other names: short protein forms C428R.
Identifiers: ClinVar variation 1807351 (VCV001807351.14), dbSNP rs267606915, ClinGen allele CA404528060.
Genomic context (GRCh38, chr19:15,189,085, plus strand): 5'-CGAGGCACGTGGCCTGGTTTCGGCAGGGCCCCGACAGACACTCGTTGACATCGGTCTCAC[A>G]GCGAGGTCCAGTGTAGCCACGACCGCACTGGCACAGGAAGGAGCCCTGCGTGTTCACGCA-3'
Protein context (NP_000426.2, residues 418-438): QCGRGYTGPR[Cys428Arg]ETDVNECLSG